The following is an entry in ClinVar:

ClinVar aggregate classification (germline): Conflicting classifications of pathogenicity. Review status: criteria provided, conflicting classifications (1 of 4 stars). 5 submissions from 5 submitters: Uncertain significance (3); Benign (1); Likely benign (1). Last evaluated 2025-01-30.

Conditions:
Hereditary nonpolyposis colorectal neoplasms. Identifiers: MedGen C0009405, MeSH D003123.
Hereditary cancer-predisposing syndrome. Also called: Neoplastic Syndromes, Hereditary; Hereditary Cancer Syndrome; Hereditary neoplastic syndrome; Tumor predisposition. Identifiers: Orphanet 140162, MedGen C0027672, MeSH D009386, MONDO:0015356.
Lynch syndrome 4 (LYNCH4). Also called: Colorectal cancer, hereditary nonpolyposis, type 4; Hereditary non-polyposis colorectal cancer, type 4. Identifiers: Orphanet 144, MedGen C1838333, MONDO:0013699, OMIM 614337. Disease mechanism: loss of function.

Allele frequency attached by ClinVar (database versions not stated): TOPMed below 0.00001.

Submissions (5):

Myriad Genetics, Inc.
Classification: Benign for Lynch syndrome 4. Last evaluated: 2025-01-30. Review status: criteria provided, single submitter. Criteria: Myriad Autosomal Dominant, Autosomal Recessive and X-Linked Classification Criteria (2023). Collection method: clinical testing. Allele origin: unknown.
Comment: This variant is considered benign. This variant is a silent/synonymous amino acid change and it is not expected to impact splicing.

Women's Health and Genetics/Laboratory Corporation of America, LabCorp
Classification: Uncertain significance. Last evaluated: 2024-07-18. Review status: criteria provided, single submitter. Criteria: LabCorp Variant Classification Summary - May 2015. Collection method: clinical testing. Allele origin: germline.

Color Diagnostics, LLC DBA Color Health
Classification: Uncertain significance for Hereditary cancer-predisposing syndrome. Last evaluated: 2024-02-14. Review status: criteria provided, single submitter. Criteria: ACMG Guidelines, 2015. Collection method: clinical testing. Allele origin: germline.
Comment: This variant is located in the PMS2 protein. To our knowledge, functional studies have not been reported for this variant. This variant has not been reported in individuals affected with PMS2-related disorders in the literature. This variant has not been identified in the general population by the Genome Aggregation Database (gnomAD). The available evidence is insufficient to determine the role of this variant in disease conclusively. Therefore, this variant is classified as a Variant of Uncertain Significance.

Ambry Genetics
Classification: Uncertain significance for Hereditary cancer-predisposing syndrome. Last evaluated: 2023-07-12. Review status: criteria provided, single submitter. Criteria: Ambry Variant Classification Scheme 2023. Collection method: clinical testing. Allele origin: germline.
Comment: The c.1146T>G variant (also known as p.G382G), located in coding exon 11 of the PMS2 gene, results from a T to G substitution at nucleotide position 1146. This nucleotide substitution does not change the amino acid at codon 382. This nucleotide position is not well conserved in available vertebrate species. In silico splice site analysis for this alteration is inconclusive and direct evidence is insufficient at this time (Ambry internal data). Since supporting evidence is limited at this time, the clinical significance of this alteration remains unclear.

Labcorp Genetics (formerly Invitae), Labcorp
Classification: Likely benign for Hereditary nonpolyposis colorectal neoplasms. Last evaluated: 2023-06-25. Review status: criteria provided, single submitter. Criteria: Invitae Variant Classification Sherloc (09022015). Collection method: clinical testing. Allele origin: germline.

NM_000535.7(PMS2):c.1146T>G (p.Gly382=)

Gene: PMS2 (PMS1 homolog 2, mismatch repair system component; minus strand). Cytogenetic location: 7p22.1.
Variant type: single nucleotide variant.
Coding change: c.1146T>G on transcript NM_000535.7 (MANE Select); coding-DNA position 1146, T replaced by G.
Protein change: p.Gly382=; no amino-acid change (glycine 382 retained).
Molecular consequence: synonymous variant. On other transcripts: non-coding transcript variant (1).
Genome position (GRCh38, 1-based): chr7:5,987,619, A>C on the plus strand (T>G on the coding strand, the complement: PMS2 is on the minus strand). VCF-style: chr7-5987619-A-C. GRCh37 (hg19) VCF-style: chr7-6027250-A-C.
Other names: c.741T>G, p.Gly247= (NM_001322003.2, NM_001322004.2, NM_001322005.2 and 1 more transcripts); c.990T>G, p.Gly330= (NM_001322006.2); c.828T>G, p.Gly276= (NM_001322007.2, NM_001322008.2); c.585T>G, p.Gly195= (NM_001322010.2); c.213T>G, p.Gly71= (NM_001322011.2, NM_001322012.2); c.573T>G, p.Gly191= (NM_001322013.2); c.1146T>G, p.Gly382= (NM_001322014.2); c.837T>G, p.Gly279= (NM_001322015.2).
Identifiers: ClinVar variation 1119604 (VCV001119604.14), dbSNP rs1554298091, ClinGen allele CA453643827.